The following is an entry in ClinVar:

ClinVar aggregate classification (germline): Likely benign. Review status: criteria provided, multiple submitters, no conflicts (2 of 4 stars). 2 submissions from 2 submitters: Likely benign (2). Last evaluated 2025-03-31.

Conditions:
ATP8B1-related disorder. Also called: ATP8B1-related condition; ATP8B1-related disorders.

Allele frequency attached by ClinVar (database versions not stated): gnomAD exomes below 0.00001; TOPMed below 0.00001.
gnomAD v4.1: 3 of 1,614,156 alleles (0.00019%); highest among the groups gnomAD compares: African/African-American, 0.0013%; no homozygotes.

Submissions (2):

PreventionGenetics, part of Exact Sciences
Classification: Likely benign for ATP8B1-related condition. Last evaluated: 2025-03-31. Review status: criteria provided, single submitter. Criteria: ACMG Guidelines, 2015. Collection method: clinical testing. Allele origin: germline.
Comment: This variant is classified as likely benign based on ACMG/AMP sequence variant interpretation guidelines (Richards et al. 2015 PMID: 25741868, with internal and published modifications).

Labcorp Genetics (formerly Invitae), Labcorp
Classification: Likely benign. Last evaluated: 2023-10-09. Review status: criteria provided, single submitter. Criteria: Invitae Variant Classification Sherloc (09022015). Collection method: clinical testing. Allele origin: germline.

NM_001374385.1(ATP8B1):c.525T>C (p.Asn175=)

Gene: ATP8B1 (ATPase phospholipid transporting 8B1; minus strand). Cytogenetic location: 18q21.31.
Variant type: single nucleotide variant.
Coding change: c.525T>C on transcript NM_001374385.1 (MANE Select); coding-DNA position 525, T replaced by C.
Protein change: p.Asn175=; no amino-acid change (asparagine 175 retained).
Molecular consequence: synonymous variant.
Genome position (GRCh38, 1-based): chr18:57,701,068, A>G on the plus strand (T>C on the coding strand, the complement: ATP8B1 is on the minus strand). VCF-style: chr18-57701068-A-G. GRCh37 (hg19) VCF-style: chr18-55368300-A-G.
Other names: c.525T>C (NM_005603.4); c.375T>C, p.Asn125= (NM_001374386.1); c.525T>C, p.Asn175= (NM_005603.6).
Identifiers: ClinVar variation 2875831 (VCV002875831.4), dbSNP rs763288026, ClinGen allele CA504011264.